The following is an entry in ClinVar:

ClinVar aggregate classification (germline): Benign/Likely benign. Review status: criteria provided, multiple submitters, no conflicts (2 of 4 stars). 14 submissions from 14 submitters: Benign (3); Likely benign (8). 3 of the submissions do not count toward it. Last evaluated 2026-07-01.

Conditions:
Inborn genetic diseases. Identifiers: MedGen C0950123, MeSH D030342.
Kabuki syndrome. Also called: NIIKAWA-KUROKI SYNDROME; Kabuki make-up syndrome. Identifiers: Orphanet 2322, MedGen C0796004, MONDO:0016512.
Kabuki syndrome 1 (KABUK1). Also called: KMT2D-Related Kabuki Syndrome. Identifiers: Orphanet 2322, MedGen CN030661, MONDO:0007843, OMIM 147920.

Allele frequency attached by ClinVar (database versions not stated): 1000 Genomes Project 0.00060; ESP Exome Variant Server 0.00204; 1000 Genomes Project 30x 0.00047; gnomAD 0.00192 and 0.00195; gnomAD exomes 0.00339 and 0.00136; ExAC 0.00146; TOPMed 0.00188.
gnomAD v4.1: 5,234 of 1,606,354 alleles (0.33%); highest among the groups gnomAD compares: Non-Finnish European, 0.41%; 9 homozygotes.

Submissions (14):

CeGaT Center for Human Genetics Tuebingen
Classification: Likely benign. Last evaluated: 2026-07-01. Review status: criteria provided, single submitter. Criteria: CeGaT Center For Human Genetics Tuebingen Variant Classification Criteria Version 2. Collection method: clinical testing. Allele origin: germline. Affected: yes. Observed: 14 variant alleles.
Comment: KMT2D: BS1

Labcorp Genetics (formerly Invitae), Labcorp
Classification: Likely benign for Kabuki syndrome. Last evaluated: 2026-02-01. Review status: criteria provided, single submitter. Criteria: Invitae Variant Classification Sherloc (09022015). Collection method: clinical testing. Allele origin: germline.

Mayo Clinic Laboratories, Mayo Clinic
Classification: Likely benign. Last evaluated: 2025-10-01. Review status: criteria provided, single submitter. Criteria: ACMG Guidelines, 2015. Collection method: clinical testing. Allele origin: germline. Observed: 1 variant allele.
Comment: BS1, BP4

Blueprint Genetics
Classification: Likely benign. Last evaluated: 2024-11-27. Review status: criteria provided, single submitter. Criteria: ACMG Guidelines, 2015. Collection method: clinical testing. Allele origin: germline.

Ambry Genetics
Classification: Likely benign for Inborn genetic diseases. Last evaluated: 2023-05-30. Review status: criteria provided, single submitter. Criteria: Ambry Variant Classification Scheme 2023. Collection method: clinical testing. Allele origin: germline.

Fulgent Genetics
Classification: Likely benign for Kabuki syndrome 1. Last evaluated: 2021-10-19. Review status: criteria provided, single submitter. Criteria: ACMG Guidelines, 2015. Collection method: clinical testing. Allele origin: unknown.

GeneDx
Classification: Benign. Last evaluated: 2019-11-07. Review status: criteria provided, single submitter. Criteria: GeneDx Variant Classification Process June 2021. Collection method: clinical testing. Allele origin: germline. Affected: yes.
Comment: This variant is associated with the following publications: (PMID: 24728327, 30459467)

Genetic Services Laboratory, University of Chicago
Classification: Benign. Last evaluated: 2019-02-26. Review status: criteria provided, single submitter. Criteria: ACMG Guidelines, 2015. Collection method: clinical testing. Allele origin: germline. Affected: no.

Center for Pediatric Genomic Medicine, Children's Mercy Hospital and Clinics
Classification: Likely benign. Last evaluated: 2016-01-18. Review status: criteria provided, single submitter. Criteria: ACMG Guidelines, 2015. Collection method: clinical testing. Allele origin: germline.
ClinVar note: Converted during submission from Likely Benign to Likely benign.

Eurofins Ntd Llc (ga)
Classification: Benign. Last evaluated: 2012-09-14. Review status: criteria provided, single submitter. Criteria: EGL Classification Definitions 2015. Collection method: clinical testing. Allele origin: germline. Observed: 5 variant alleles, 5 heterozygotes.

PreventionGenetics, part of Exact Sciences
Classification: Likely benign. Review status: criteria provided, single submitter. Criteria: ACMG Guidelines, 2015. Collection method: clinical testing. Allele origin: germline.

ITMI
No classification provided. Condition: AllHighlyPenetrant. Last evaluated: 2013-09-19. Review status: no classification provided. Collection method: reference population. Allele origin: germline. Not counted in ClinVar's aggregate classification.
Comment: Please see associated publication for description of ethnicities

Clinical Genetics DNA and cytogenetics Diagnostics Lab, Erasmus MC, Erasmus Medical Center
Classification: Likely benign. Review status: no assertion criteria provided. Collection method: clinical testing. Allele origin: germline. Affected: yes. Study: VKGL Data-share Consensus. Not counted in ClinVar's aggregate classification.

Diagnostic Laboratory, Department of Genetics, University Medical Center Groningen
Classification: Likely benign. Review status: no assertion criteria provided. Collection method: clinical testing. Allele origin: germline. Affected: yes. Study: VKGL Data-share Consensus. Not counted in ClinVar's aggregate classification.

Literature cited by the submitters: PubMed 30459467 (cited by Mayo Clinic Laboratories, Mayo Clinic); PubMed 24728327 (cited by ITMI).

NM_003482.4(KMT2D):c.12913G>A (p.Val4305Ile)

Gene: KMT2D (lysine methyltransferase 2D; minus strand). Cytogenetic location: 12q13.12.
Variant type: single nucleotide variant.
Coding change: c.12913G>A on transcript NM_003482.4 (MANE Select); coding-DNA position 12913, G replaced by A.
Protein change: p.Val4305Ile; replaces valine 4305 with isoleucine.
Molecular consequence: missense variant.
Genome position (GRCh38, 1-based): chr12:49,031,792, C>T on the plus strand (G>A on the coding strand, the complement: KMT2D is on the minus strand). VCF-style: chr12-49031792-C-T. GRCh37 (hg19) VCF-style: chr12-49425575-C-T.
Other names: short protein forms V4305I.
Identifiers: ClinVar variation 94162 (VCV000094162.56), dbSNP rs199895011, ClinGen allele CA147667.
Genomic context (GRCh38, chr12:49,031,792, plus strand): 5'-AAGGTAATTGTGAAGGTCTCTTTGGCTCTTGAGGGCTGGATGGTGGAGGTGTGGGATGGA[C>T]AGGGCCAAGGACTGGTCCTGTAGATAAGGCTCCTGGTGGGGCAGGGAGCCGGGGTGGGCC-3'
Protein context (NP_003473.3, residues 4295-4315): ALSTGPVLGP[Val4305Ile]HPTPPPSSPQ